The following is an entry in ClinVar:

NM_000419.5(ITGA2B):c.86C>T (p.Ala29Val)

Gene: ITGA2B (integrin subunit alpha 2b; minus strand). Cytogenetic location: 17q21.31.
Variant type: single nucleotide variant.
Coding change: c.86C>T on transcript NM_000419.5 (MANE Select); coding-DNA position 86, C replaced by T.
Protein change: p.Ala29Val; replaces alanine 29 with valine.
Molecular consequence: missense variant.
Genome position (GRCh38, 1-based): chr17:44,389,388, G>A on the plus strand (C>T on the coding strand, the complement: ITGA2B is on the minus strand). VCF-style: chr17-44389388-G-A. GRCh37 (hg19) VCF-style: chr17-42466756-G-A.
Other names: short protein forms A29V.
Identifiers: ClinVar variation 2362157 (VCV002362157.3), dbSNP rs760833641, ClinGen allele CA8603548.
Genomic context (GRCh38, chr17:44,389,388, plus strand): 5'-TGGCTGCCATTGGGGCCTGCATAGAAGGTGAGCTGCACTGGGTCCAGGTTCAAGGCCCAG[G>A]CTGGAGGGGCAGCACAAGGTCCCAAGAGCAGCAGCACCCACTCCAGAAGCCAGAGGGCTT-3'
Protein context (NP_000410.2, residues 19-39): LLLGPCAAPP[Ala29Val]WALNLDPVQL

ClinVar aggregate classification (germline): Uncertain significance. Review status: criteria provided, multiple submitters, no conflicts (2 of 4 stars). 2 submissions from 2 submitters: Uncertain significance (2). Last evaluated 2025-02-25.

Conditions:
Inborn genetic diseases. Identifiers: MedGen C0950123, MeSH D030342.
Glanzmann thrombasthenia. Also called: BLEEDING DISORDER, PLATELET-TYPE, 2; THROMBASTHENIA OF GLANZMANN AND NAEGELI; PLATELET GLYCOPROTEIN IIb-IIIa DEFICIENCY; Glanzmann's thrombasthenia; Thrombasthenia. Identifiers: Orphanet 849, MedGen C0040015, MONDO:0100326.

Allele frequency attached by ClinVar (database versions not stated): ExAC 0.00001; gnomAD 0.00001; gnomAD exomes 0.00001; TOPMed 0.00002.
gnomAD v4.1: 8 of 1,614,098 alleles (0.0005%); highest among the groups gnomAD compares: Admixed American, 0.012%; no homozygotes.

Submissions (2):

Labcorp Genetics (formerly Invitae), Labcorp
Classification: Uncertain significance for Glanzmann thrombasthenia. Last evaluated: 2025-02-25. Review status: criteria provided, single submitter. Criteria: Invitae Variant Classification Sherloc (09022015). Collection method: clinical testing. Allele origin: germline.
Comment: This sequence change replaces alanine, which is neutral and non-polar, with valine, which is neutral and non-polar, at codon 29 of the ITGA2B protein (p.Ala29Val). This variant is present in population databases (rs760833641, gnomAD 0.006%). This variant has not been reported in the literature in individuals affected with ITGA2B-related conditions. ClinVar contains an entry for this variant (Variation ID: 2362157). An algorithm developed to predict the effect of missense changes on protein structure and function outputs the following: PolyPhen-2: "Benign". The valine amino acid residue is found in multiple mammalian species, which suggests that this missense change does not adversely affect protein function. In summary, the available evidence is currently insufficient to determine the role of this variant in disease. Therefore, it has been classified as a Variant of Uncertain Significance.

Ambry Genetics
Classification: Uncertain significance for Inborn genetic diseases. Last evaluated: 2022-04-25. Review status: criteria provided, single submitter. Criteria: Ambry Variant Classification Scheme 2023. Collection method: clinical testing. Allele origin: germline.